The following is an entry in ClinVar:

ClinVar aggregate classification (germline): Uncertain significance (1 of 4 stars; one submission).

Submission:

Labcorp Genetics (formerly Invitae), Labcorp
Classification: Uncertain significance. Last evaluated: 2023-05-15. Review status: criteria provided, single submitter. Criteria: Invitae Variant Classification Sherloc (09022015). Collection method: clinical testing. Allele origin: germline.
Comment: In summary, the available evidence is currently insufficient to determine the role of this variant in disease. Therefore, it has been classified as a Variant of Uncertain Significance. This variant, c.4522_4524del, results in the deletion of 1 amino acid(s) of the TUBGCP6 protein (p.Phe1508del), but otherwise preserves the integrity of the reading frame. This variant is present in population databases (rs754135791, gnomAD 0.09%). This variant has not been reported in the literature in individuals affected with TUBGCP6-related conditions. ClinVar contains an entry for this variant (Variation ID: 955025).

NM_020461.4(TUBGCP6):c.4519TTC[1] (p.Phe1508del)

Gene: TUBGCP6 (tubulin gamma complex component 6; minus strand). Cytogenetic location: 22q13.33.
Variant type: Microsatellite.
Coding change: c.4519TTC[1] on transcript NM_020461.4 (MANE Select); one copy of the 3-base unit TTC starting at c.4519; the reference has two copies in a row; one copy, 3 bases deleted.
Protein change: p.Phe1508del; deletes phenylalanine 1508.
Molecular consequence: inframe deletion.
Genome position (GRCh38, 1-based): chr22:50,219,170-50,219,172, GAA deleted on the plus strand (TTC on the coding strand, the reverse complement: TUBGCP6 is on the minus strand); deleting any 3 consecutive bases within chr22:50,219,170-50,219,176 gives the same sequence; the position shown is the placement nearest the transcript's 3' end. VCF-style (leftmost placement, unchanged base first): chr22-50219169-CGAA-C. GRCh37 (hg19) VCF-style: chr22-50657598-CGAA-C.
Other names: short protein forms F1508del.
Identifiers: ClinVar variation 955025 (VCV000955025.6), dbSNP rs754135791, ClinGen allele CA10307452.